The following is an entry in ClinVar:

NM_000554.6(CRX):c.343C>T (p.Arg115Trp)

Gene: CRX (cone-rod homeobox; plus strand). Cytogenetic location: 19q13.33.
Variant type: single nucleotide variant.
Coding change: c.343C>T on transcript NM_000554.6 (MANE Select); coding-DNA position 343, C replaced by T.
Protein change: p.Arg115Trp; replaces arginine 115 with tryptophan.
Molecular consequence: missense variant.
Genome position (GRCh38, 1-based): chr19:47,839,410, C>T. VCF-style: chr19-47839410-C-T. GRCh37 (hg19) VCF-style: chr19-48342667-C-T.
Other names: short protein forms R115W.
Identifiers: ClinVar variation 954048 (VCV000954048.8), dbSNP rs1056691132, ClinGen allele CA309212328.
Genomic context (GRCh38, chr19:47,839,410, plus strand): 5'-AGGCAGCAGCGACAGCAGCAGAAACAGCAGCAGCAGCCCCCAGGGGGCCAGGCCAAGGCC[C>T]GGCCTGCCAAGAGGAAGGCGGGCACGTCCCCAAGACCCTCCACAGATGTGTGTCCAGACC-3'
Protein context (NP_000545.1, residues 105-125): QQPPGGQAKA[Arg115Trp]PAKRKAGTSP

ClinVar aggregate classification (germline): Uncertain significance (1 of 4 stars; one submission).

Conditions:
Cone-rod dystrophy 2 (CORD2). Also called: Cone-rod retinal dystrophy 2; CONE-ROD RETINAL DYSTROPHY. Identifiers: Orphanet 1872, MedGen C3489532, MONDO:0007362, OMIM 120970.
Leber congenital amaurosis 7 (LCA7). Identifiers: Orphanet 65, MedGen C3151192, MONDO:0013449, OMIM 613829.

Allele frequency attached by ClinVar (database versions not stated): gnomAD 0.00001; TOPMed 0.00001; gnomAD exomes 0.00002.
gnomAD v4.1: 17 of 1,613,652 alleles (0.0011%); highest among the groups gnomAD compares: East Asian, 0.0045%; no homozygotes.

Submission:

Labcorp Genetics (formerly Invitae), Labcorp
Classification: Uncertain significance for Cone-rod dystrophy 2; Leber congenital amaurosis 7. Last evaluated: 2024-11-25. Review status: criteria provided, single submitter. Criteria: Invitae Variant Classification Sherloc (09022015). Collection method: clinical testing. Allele origin: germline.
Comment: This sequence change replaces arginine, which is basic and polar, with tryptophan, which is neutral and slightly polar, at codon 115 of the CRX protein (p.Arg115Trp). This variant is present in population databases (no rsID available, gnomAD 0.01%). This missense change has been observed in individual(s) with retinitis pigmentosa (internal data). ClinVar contains an entry for this variant (Variation ID: 954048). Invitae Evidence Modeling of protein sequence and biophysical properties (such as structural, functional, and spatial information, amino acid conservation, physicochemical variation, residue mobility, and thermodynamic stability) has been performed for this missense variant. However, the output from this modeling did not meet the statistical confidence thresholds required to predict the impact of this variant on CRX protein function. This variant disrupts the p.Arg115 amino acid residue in CRX. Other variant(s) that disrupt this residue have been observed in individuals with CRX-related conditions (PMID: 11139241), which suggests that this may be a clinically significant amino acid residue. In summary, the available evidence is currently insufficient to determine the role of this variant in disease. Therefore, it has been classified as a Variant of Uncertain Significance.

Literature cited by the submitters: PubMed 11139241.